The following is an entry in ClinVar:

NM_024753.5(TTC21B):c.2699A>G (p.Tyr900Cys)

Gene: TTC21B (tetratricopeptide repeat domain 21B; minus strand). Cytogenetic location: 2q24.3.
Variant type: single nucleotide variant.
Coding change: c.2699A>G on transcript NM_024753.5 (MANE Select); coding-DNA position 2699, A replaced by G.
Protein change: p.Tyr900Cys; replaces tyrosine 900 with cysteine.
Molecular consequence: missense variant.
Genome position (GRCh38, 1-based): chr2:165,901,780, T>C on the plus strand (A>G on the coding strand, the complement: TTC21B is on the minus strand). VCF-style: chr2-165901780-T-C. GRCh37 (hg19) VCF-style: chr2-166758290-T-C.
Other names: short protein forms Y900C.
Identifiers: ClinVar variation 1480257 (VCV001480257.6), dbSNP rs766007738, ClinGen allele CA59787583.

ClinVar aggregate classification (germline): Uncertain significance (1 of 4 stars; one submission).

Conditions:
Jeune thoracic dystrophy. Also called: Jeune syndrome; Infantile thoracic dystrophy; Thoracic pelvic phalangeal dystrophy; Jeune's syndrome; Chondroectodermal dysplasia-like syndrome; Short-rib thoracic dysplasia. Identifiers: Orphanet 474, MedGen C0265275, MONDO:0018770.
Nephronophthisis. Also called: Juvenile Nephronophthisis. Identifiers: Orphanet 655, MedGen C0687120, MONDO:0019005, HP:0000090.

Allele frequency attached by ClinVar (database versions not stated): gnomAD exomes below 0.00001; gnomAD 0.00001; TOPMed 0.00001.
gnomAD v4.1: 2 of 1,614,068 alleles (0.00012%); highest among the groups gnomAD compares: South Asian, 0.0011%; no homozygotes.

Submission:

Labcorp Genetics (formerly Invitae), Labcorp
Classification: Uncertain significance for Jeune thoracic dystrophy; Nephronophthisis. Last evaluated: 2023-08-24. Review status: criteria provided, single submitter. Criteria: Invitae Variant Classification Sherloc (09022015). Collection method: clinical testing. Allele origin: germline.
Comment: This sequence change replaces tyrosine, which is neutral and polar, with cysteine, which is neutral and slightly polar, at codon 900 of the TTC21B protein (p.Tyr900Cys). In summary, the available evidence is currently insufficient to determine the role of this variant in disease. Therefore, it has been classified as a Variant of Uncertain Significance. Advanced modeling of protein sequence and biophysical properties (such as structural, functional, and spatial information, amino acid conservation, physicochemical variation, residue mobility, and thermodynamic stability) has been performed at Invitae for this missense variant, however the output from this modeling did not meet the statistical confidence thresholds required to predict the impact of this variant on TTC21B protein function. ClinVar contains an entry for this variant (Variation ID: 1480257). This variant has not been reported in the literature in individuals affected with TTC21B-related conditions. This variant is not present in population databases (gnomAD no frequency).